The following is an entry in ClinVar:

ClinVar aggregate classification (germline): Uncertain significance (1 of 4 stars; one submission).

Submission:

Ambry Genetics
Classification: Uncertain significance. Last evaluated: 2022-04-05. Review status: criteria provided, single submitter. Criteria: Ambry Variant Classification Scheme 2023. Collection method: clinical testing. Allele origin: germline.
Comment: The p.G847E variant (also known as c.2540G>A), located in coding exon 13 of the PALLD gene, results from a G to A substitution at nucleotide position 2540. The glycine at codon 847 is replaced by glutamic acid, an amino acid with similar properties. This amino acid position is conserved. In addition, this alteration is predicted to be deleterious by in silico analysis. Since supporting evidence is limited at this time, the clinical significance of this alteration remains unclear.

NM_001166108.2(PALLD):c.2591G>A (p.Gly864Glu)

Genes: CBR4 (carbonyl reductase 4; minus strand), PALLD (palladin, cytoskeletal associated protein; plus strand). Cytogenetic location: 4q32.3.
Variant type: single nucleotide variant.
Coding change: c.2591G>A on transcript NM_001166108.2 (MANE Select); coding-DNA position 2591, G replaced by A.
Protein change: p.Gly864Glu; replaces glycine 864 with glutamic acid.
Molecular consequence: missense variant.
Genome position (GRCh38, 1-based): chr4:168,903,875, G>A. VCF-style: chr4-168903875-G-A. GRCh37 (hg19) VCF-style: chr4-169825026-G-A.
Other names: c.1394G>A, p.Gly465Glu (NM_001166109.2); c.1079G>A, p.Gly360Glu (NM_001166110.2); c.419G>A, p.Gly140Glu (NM_001367567.1, NM_001367569.1); c.470G>A, p.Gly157Glu (NM_001367568.1, NM_001367570.1); c.2540G>A, p.Gly847Glu (NM_016081.4); short protein forms G360E, G157E, G140E, G864E, G847E, G465E.
Identifiers: ClinVar variation 1792815 (VCV001792815.2), dbSNP rs2533840487, ClinGen allele CA358799490.